The following is an entry in ClinVar:

ClinVar aggregate classification (germline): Likely pathogenic (1 of 4 stars; one submission).

Conditions:
Neurofibromatosis, type 1 (NF1). Also called: NEUROFIBROMATOSIS, TYPE I, SOMATIC; VON RECKLINGHAUSEN DISEASE; Neurofibromatosis, type I; Peripheral type neurofibromatosis. Identifiers: Orphanet 636, MedGen C0027831, MONDO:0018975, OMIM 162200. Disease mechanism: loss of function.

Submission:

3billion
Classification: Likely pathogenic for Neurofibromatosis, type 1. Last evaluated: 2025-09-29. Review status: criteria provided, single submitter. Criteria: ACMG Guidelines, 2015. Collection method: clinical testing. Allele origin: germline. Affected: yes.
Comment: The variant is not observed in the gnomAD v4.1.0 dataset. Predicted Consequence/Location: Frameshift: predicted to result in a loss or disruption of normal protein function through nonsense-mediated decay (NMD) or protein truncation. Multiple pathogenic variants are reported downstream of the variant. Therefore, this variant is classified as Likely pathogenic according to the recommendation of ACMG/AMP guideline.

NM_001042492.3(NF1):c.1804del (p.Glu602fs)

Gene: NF1 (neurofibromin 1; plus strand). Cytogenetic location: 17q11.2.
Variant type: Deletion.
Coding change: c.1804del on transcript NM_001042492.3 (MANE Select); coding-DNA position 1804, one base deleted (G; older notation c.1804delG).
Protein change: p.Glu602fs; shifts the reading frame from glutamic acid 602.
Molecular consequence: frameshift variant.
Genome position (GRCh38, 1-based): chr17:31,223,526, G deleted; the last of 3 consecutive G bases (chr17:31,223,524-31,223,526); deleting any one gives the same sequence. VCF-style (leftmost placement, unchanged base first): chr17-31223523-CG-C. GRCh37 (hg19) VCF-style: chr17-29550541-CG-C.
Other names: c.1804del, p.Glu602fs (NM_000267.4); short protein forms E602fs.
Identifiers: ClinVar variation 4854140 (VCV004854140.1).
Genomic context (GRCh38, chr17:31,223,523, plus strand): 5'-ATCTGCAAGAAATTAACTAGTCATCAAATGCTTAGTAGCACAGAAATTCTCAAGTGGTTG[CG>C]GGAAATATTGATCTGCAGGAATAAATTTCTTCTTAAAAATAAGGTAAGCAAAATGACATA-3'